The following is an entry in ClinVar:

NM_002439.5(MSH3):c.1887T>G (p.Tyr629Ter)

Gene: MSH3 (mutS homolog 3; plus strand). Cytogenetic location: 5q14.1.
Variant type: single nucleotide variant.
Coding change: c.1887T>G on transcript NM_002439.5 (MANE Select); coding-DNA position 1887, T replaced by G.
Protein change: p.Tyr629Ter; replaces tyrosine 629 with a stop codon.
Molecular consequence: nonsense.
Genome position (GRCh38, 1-based): chr5:80,761,669, T>G. VCF-style: chr5-80761669-T-G. GRCh37 (hg19) VCF-style: chr5-80057488-T-G.
Other names: short protein forms Y629*.
Identifiers: ClinVar variation 5024814 (VCV005024814.1).

ClinVar aggregate classification (germline): Pathogenic (1 of 4 stars; one submission).

Conditions:
Hereditary cancer-predisposing syndrome. Also called: Neoplastic Syndromes, Hereditary; Tumor predisposition; Hereditary neoplastic syndrome; Hereditary Cancer Syndrome. Identifiers: Orphanet 140162, MedGen C0027672, MeSH D009386, MONDO:0015356.

Submission:

Ambry Genetics
Classification: Pathogenic for Hereditary cancer-predisposing syndrome. Last evaluated: 2026-07-29. Review status: criteria provided, single submitter. Criteria: Ambry Variant Classification Scheme 2023. Collection method: clinical testing. Allele origin: germline.
Comment: The p.Y629* pathogenic mutation (also known as c.1887T>G), located in coding exon 13 of the MSH3 gene, results from a T to G substitution at nucleotide position 1887. This changes the amino acid from a tyrosine to a stop codon within coding exon 13. This variant is considered to be rare based on population cohorts in the Genome Aggregation Database (gnomAD). This alteration is expected to result in loss of function by premature protein truncation or nonsense-mediated mRNA decay. As such, this alteration is interpreted as a disease-causing mutation.